The following is an entry in ClinVar:

NM_177939.3(P4HTM):c.1116G>A (p.Gly372=)

Gene: P4HTM (prolyl 4-hydroxylase, transmembrane; plus strand). Cytogenetic location: 3p21.31.
Variant type: single nucleotide variant.
Coding change: c.1116G>A on transcript NM_177939.3 (MANE Select); coding-DNA position 1116, G replaced by A.
Protein change: p.Gly372=; no amino-acid change (glycine 372 retained).
Molecular consequence: synonymous variant.
Genome position (GRCh38, 1-based): chr3:49,005,819, G>A. VCF-style: chr3-49005819-G-A. GRCh37 (hg19) VCF-style: chr3-49043252-G-A.
Other names: c.1299G>A, p.Gly433= (NM_177938.2).
Identifiers: ClinVar variation 4999688 (VCV004999688.1).

ClinVar aggregate classification (germline): Likely benign (1 of 4 stars; one submission).

Conditions:
P4HTM-related disorder. Also called: P4HTM-related condition.

gnomAD v4.1: 3 of 1,585,036 alleles (0.00019%); highest among the groups gnomAD compares: African/African-American, 0.0041%; no homozygotes.

Submission:

PreventionGenetics, part of Exact Sciences
Classification: Likely benign for P4HTM-related condition. Last evaluated: 2025-01-04. Review status: criteria provided, single submitter. Criteria: ACMG Guidelines, 2015. Collection method: clinical testing. Allele origin: germline.
Comment: This variant is classified as likely benign based on ACMG/AMP sequence variant interpretation guidelines (Richards et al. 2015 PMID: 25741868, with internal and published modifications).